The following is an entry in ClinVar:

ClinVar aggregate classification (germline): Likely pathogenic (1 of 4 stars; one submission).

Conditions:
Autosomal recessive limb-girdle muscular dystrophy type 2C (LGMDR5). Also called: MUSCULAR DYSTROPHY, DUCHENNE-LIKE; MUSCULAR DYSTROPHY, LIMB-GIRDLE, AUTOSOMAL RECESSIVE 5. Identifiers: Orphanet 353, MedGen C0410173, MONDO:0009677, OMIM 253700. Disease mechanism: Affects gamma-sarcoglycan and also disrupts the integrity of the entire sarcoglycan complex..

Submission:

Neuberg Centre For Genomic Medicine, NCGM
Classification: Likely pathogenic for Autosomal recessive limb-girdle muscular dystrophy type 2C. Review status: criteria provided, single submitter. Criteria: ACMG Guidelines, 2015. Collection method: clinical testing. Allele origin: germline. Inheritance: Autosomal recessive inheritance. Affected: yes.
Comment: The frame shift c.284_287del (p.Ile95ThrfsTer16) variant has not been reported previously as a pathogenic variant nor as a benign variant, to our knowledge. This variant has not been reported to the ClinVar database. The p.Ile95ThrfsTer16 variant is novel (not in any individuals) in gnomAD Exomes and is novel (not in any individuals) in 1000 Genomes. This variant causes a frameshift starting with codon Isoleucine 95, changes this amino acid to Threonine residue, and creates a premature Stop codon at position 16 of the new reading frame, denoted p.Ile95ThrfsTer16. This variant is predicted to cause loss of normal protein function through protein truncation. Loss of function variants have been previously reported to be disease causing. For these reasons, this variant has been classified as Likely Pathogenic.

NM_000231.3(SGCG):c.284_287del (p.Ile95fs)

Gene: SGCG (sarcoglycan gamma; plus strand). Cytogenetic location: 13q12.12.
Variant type: Deletion.
Coding change: c.284_287del on transcript NM_000231.3 (MANE Select); coding-DNA positions 284 to 287, 4 bases deleted (TACA; older notation c.284_287delTACA).
Protein change: p.Ile95fs; shifts the reading frame from isoleucine 95.
Molecular consequence: frameshift variant.
Genome position (GRCh38, 1-based): chr13:23,234,699-23,234,702, TACA deleted; deleting any 4 consecutive bases within chr13:23,234,698-23,234,702 gives the same sequence; the c. name uses the placement nearest the transcript's 3' end. VCF-style (leftmost placement, unchanged base first): chr13-23234697-AATAC-A. GRCh37 (hg19) VCF-style: chr13-23808836-AATAC-A.
Other names: c.338_341del, p.Ile113fs (NM_001378244.1); c.284_287del, p.Ile95fs (NM_001378245.1, NM_001378246.1); short protein forms I113fs, I95fs.
Identifiers: ClinVar variation 2584801 (VCV002584801.1), dbSNP rs2541900385, ClinGen allele CA2582341807.